The following is an entry in ClinVar:

ClinVar aggregate classification (germline): Uncertain significance. Review status: criteria provided, multiple submitters, no conflicts (2 of 4 stars). 2 submissions from 2 submitters: Uncertain significance (2). Last evaluated 2025-02-13.

Allele frequency attached by ClinVar (database versions not stated): gnomAD exomes below 0.00001.
gnomAD v4.1: 3 of 1,610,594 alleles (0.00019%); highest among the groups gnomAD compares: Non-Finnish European, 0.00025%; no homozygotes.

Submissions (2):

Ambry Genetics
Classification: Uncertain significance. Last evaluated: 2025-02-13. Review status: criteria provided, single submitter. Criteria: Ambry Variant Classification Scheme 2023. Collection method: clinical testing. Allele origin: germline.

Labcorp Genetics (formerly Invitae), Labcorp
Classification: Uncertain significance. Last evaluated: 2022-08-23. Review status: criteria provided, single submitter. Criteria: Invitae Variant Classification Sherloc (09022015). Collection method: clinical testing. Allele origin: germline.
Comment: In summary, the available evidence is currently insufficient to determine the role of this variant in disease. Therefore, it has been classified as a Variant of Uncertain Significance. Algorithms developed to predict the effect of missense changes on protein structure and function are either unavailable or do not agree on the potential impact of this missense change (SIFT: "Deleterious"; PolyPhen-2: "Probably Damaging"; Align-GVGD: "Class C0"). This variant has not been reported in the literature in individuals affected with SULF1-related conditions. The frequency data for this variant in the population databases is considered unreliable, as metrics indicate poor data quality at this position in the gnomAD database. This sequence change replaces histidine, which is basic and polar, with arginine, which is basic and polar, at codon 182 of the SULF1 protein (p.His182Arg).

NM_001128205.2(SULF1):c.545A>G (p.His182Arg)

Gene: SULF1 (sulfatase 1; plus strand). Cytogenetic location: 8q13.2.
Variant type: single nucleotide variant.
Coding change: c.545A>G on transcript NM_001128205.2 (MANE Select); coding-DNA position 545, A replaced by G.
Protein change: p.His182Arg; replaces histidine 182 with arginine.
Molecular consequence: missense variant. On other transcripts: non-coding transcript variant (2).
Genome position (GRCh38, 1-based): chr8:69,586,489, A>G. VCF-style: chr8-69586489-A-G. GRCh37 (hg19) VCF-style: chr8-70498724-A-G.
Other names: c.545A>G, p.His182Arg (NM_001128204.2, NM_001128206.2, NM_001412828.1 and 19 more transcripts); c.359A>G, p.His120Arg (NM_001412841.1, NM_001412842.1); c.19A>G, p.Met7Val (NM_001412844.1, NM_001412845.1); c.-1157A>G (NM_001412846.1); c.545A>G (NM_001128205.1); short protein forms H182R, H120R, M7V.
Identifiers: ClinVar variation 1947692 (VCV001947692.6), dbSNP rs1402240007, ClinGen allele CA371225365.